The following is an entry in ClinVar:

ClinVar aggregate classification (germline): Pathogenic. Review status: reviewed by expert panel (3 of 4 stars). 35 submissions from 35 submitters: Pathogenic (1). 34 of the submissions do not count toward it. Last evaluated 2016-09-08.

Conditions:
Gastric cancer. Also called: Stomach cancer; Malignant tumor of stomach. Identifiers: MedGen C0024623, MeSH D013274, MONDO:0001056, OMIM 613659, HP:0012126.
BRCA1-related cancer predisposition. Identifiers: MedGen CN377757, MONDO:0700268.
Familial cancer of breast. Also called: Hereditary breast cancer; hereditary breast carcinoma; BREAST CANCER, FAMILIAL. Identifiers: Orphanet 227535, MedGen C0346153, MONDO:0016419, OMIM 114480. Disease mechanism: loss of function.
Breast-ovarian cancer, familial, susceptibility to, 1 (BROVCA1). Also called: OVARIAN CANCER, SUSCEPTIBILITY TO; BRCA1 Hereditary Breast and Ovarian Cancer. Identifiers: Orphanet 145, MedGen C2676676, MONDO:0011450, OMIM 604370. Disease mechanism: loss of function.
Pancreatic cancer, susceptibility to, 4. Identifiers: Orphanet 1333, MedGen C3280442, MONDO:0013685, OMIM 614320.
Fanconi anemia, complementation group S (FANCS). Identifiers: MedGen C4554406, MONDO:0054748, OMIM 617883.
Breast and/or ovarian cancer. Identifiers: MedGen CN221562.
Hereditary cancer-predisposing syndrome. Also called: Tumor predisposition; Neoplastic Syndromes, Hereditary; Hereditary Cancer Syndrome; Hereditary neoplastic syndrome. Identifiers: Orphanet 140162, MedGen C0027672, MeSH D009386, MONDO:0015356.
Breast neoplasm. Also called: Neoplasm of breast; Breast tumor; Neoplasm of the breast; Breast Neoplasms. Identifiers: MedGen C1458155, MeSH D001943, MONDO:0021100, HP:0100013. Disease mechanism: gain of function.
Hereditary breast ovarian cancer syndrome. Also called: Hereditary breast and ovarian cancer syndrome (HBOC); Hereditary breast and ovarian cancer syndrome; Hereditary breast and ovarian cancer; Hereditary breast and/or ovarian cancer syndrome; Breast and ovarian cancer; BRCA1- and BRCA2-Associated Hereditary Breast and Ovarian Cancer. Identifiers: Orphanet 145, MedGen C0677776, MeSH D061325, MONDO:0003582. Disease mechanism: loss of function.
Malignant tumor of breast. Also called: Malignant breast neoplasm; Cancer breast. Identifiers: MedGen C0006142, MONDO:0007254. Disease mechanism: loss of function.

Submissions 1 to 6 of 35:

Evidence-based Network for the Interpretation of Germline Mutant Alleles (ENIGMA)
Classification: Pathogenic for Breast-ovarian cancer, familial, susceptibility to, 1. Last evaluated: 2016-09-08. Review status: reviewed by expert panel. Criteria: ENIGMA BRCA1/2 Classification Criteria (2015). Collection method: curation. Allele origin: germline.
Comment: Variant allele predicted to encode a truncated non-functional protein.

Victorian Clinical Genetics Services, Murdoch Childrens Research Institute
Classification: Pathogenic for BRCA1-related cancer predisposition. Last evaluated: 2026-07-15. Review status: criteria provided, single submitter. Criteria: ACMG Guidelines, 2015. Collection method: clinical testing. Allele origin: germline. Affected: no. Not counted in ClinVar's aggregate classification.
Comment: This variant is classified as Pathogenic. Evidence in support of pathogenic classification: This variant is predicted to cause nonsense-mediated decay (NMD) and loss of protein (premature termination codon is located at least 54 nucleotides upstream of the final exon-exon junction); This variant is present in gnomAD <0.01 (v4: 2 heterozygotes, 0 homozygote(s)); This variant has strong previous evidence of pathogenicity in unrelated individuals. This variant has been classified as pathogenic by the ENIGMA expert panel (ClinVar); Other variants comparable to the one identified in this case have very strong previous evidence for pathogenicity (DECIPHER). Additional information: This variant is heterozygous; This gene is associated with both recessive and dominant disease. Susceptibility to cancer follows an autosomal dominant inheritance pattern, while Fanconi anaemia is inherited in an autosomal recessive pattern (OMIM); Loss of function is a known mechanism of disease in this gene and is associated with Fanconi anaemia, complementation group S (MIM#617883) and BRCA1-related cancer predisposition (MONDO:0700268); The condition associated with this gene has incomplete penetrance. The highest estimate for cancer risk in individuals with a heterozygous pathogenic variant is 80% by the age of 70 years (PMID: 30551077).

Dasa
Classification: Pathogenic for Breast-ovarian cancer, familial, susceptibility to, 1. Last evaluated: 2026-03-04. Review status: criteria provided, single submitter. Criteria: DASA Assertion Criteria. Collection method: clinical testing. Allele origin: germline. Not counted in ClinVar's aggregate classification.
Comment: NM_007294.4(BRCA1):c.5030_5033del (p.Thr1677IlefsTer2) is a frameshift variant in BRCA1 predicted to alter the reading frame and introduce a premature termination codon and is predicted to result in an absent or altered protein product. Loss of function is an established disease mechanism for BRCA1 (PMID: 32375709; PMID: 21989022; PMID: 11802209). The affected residue or protein region has prior evidence supporting clinical relevance. This variant has been reported in individuals with Breast-ovarian cancer, familial, susceptibility to, 1. Also, this variant is rare in population databases. Based on the currently available evidence, this variant is classified as pathogenic.

3billion
Classification: Pathogenic for Breast-ovarian cancer, familial, susceptibility to, 1. Last evaluated: 2025-12-12. Review status: criteria provided, single submitter. Criteria: ACMG Guidelines, 2015. Collection method: clinical testing. Allele origin: germline. Affected: yes. Not counted in ClinVar's aggregate classification.
Comment: The variant is observed at an extremely low frequency in the gnomAD v4.1.0 dataset (total allele frequency: <0.001%). Predicted Consequence/Location: Frameshift: predicted to result in a loss or disruption of normal protein function through nonsense-mediated decay (NMD) or protein truncation. Multiple pathogenic variants are reported downstream of the variant. The variant has been reported multiple times as an established pathogenic variant (ClinVar ID: VCV000037623 /PMID: 9150149 /3billion dataset). Therefore, this variant is classified as Pathogenic according to the recommendation of ACMG/AMP guideline.

Labcorp Genetics (formerly Invitae), Labcorp
Classification: Pathogenic for Hereditary breast ovarian cancer syndrome. Last evaluated: 2025-12-08. Review status: criteria provided, single submitter. Criteria: Invitae Variant Classification Sherloc (09022015). Collection method: clinical testing. Allele origin: germline. Not counted in ClinVar's aggregate classification.
Comment: This sequence change creates a premature translational stop signal (p.Thr1677Ilefs*2) in the BRCA1 gene. It is expected to result in an absent or disrupted protein product. Loss-of-function variants in BRCA1 are known to be pathogenic (PMID: 20104584). This variant is not present in population databases (gnomAD no frequency). This premature translational stop signal has been observed in individual(s) with breast and/or ovarian cancer, and pancreatic cancer (PMID: 9150149, 21989927, 22144684, 22160602). This variant is also known as 5149del4, ter1678 and c.5149delCTAA. ClinVar contains an entry for this variant (Variation ID: 37623). For these reasons, this variant has been classified as Pathogenic.

ARUP Laboratories, Molecular Genetics and Genomics, ARUP Laboratories
Classification: Pathogenic. Last evaluated: 2025-07-03. Review status: criteria provided, single submitter. Criteria: ARUP Molecular Germline Variant Investigation Process 2024. Collection method: clinical testing. Allele origin: germline. Not counted in ClinVar's aggregate classification.
Comment: The BRCA1 c.5030_5033del; p.Thr1677IlefsTer2 variant (rs80357580), also known as 5149del4 or c.5149delCTAA, is reported in the literature in many individuals affected with breast and/or ovarian cancer, and is reported as a founder variant in the French population (selected publications: Caputo 2012, Guindalini 2022, Kechin 2023, Li 2019, Stoppa-Lyonnet 1997). This variant is also reported in ClinVar (Variation ID: 37623), but is absent from the Genome Aggregation Database, indicating it is not a common polymorphism. This variant causes a frameshift by deleting four nucleotides, so it is predicted to result in a truncated protein or mRNA subject to nonsense-mediated decay. Based on available information, this variant is considered to be pathogenic. References: Caputo S et al. Description and analysis of genetic variants in French hereditary breast and ovarian cancer families recorded in the UMD-BRCA1/BRCA2 databases. Nucleic Acids Res. 2012 Jan;40(Database issue):D992-1002. PMID: 22144684. Guindalini RSC et al. Detection of germline variants in Brazilian breast cancer patients using multigene panel testing. Sci Rep. 2022 Mar 9;12(1):4190. PMID: 35264596. Kechin A et al. A spectrum of BRCA1 and BRCA2 germline deleterious variants in ovarian cancer in Russia. Breast Cancer Res Treat. 2023 Jan;197(2):387-395. PMID: 36367610. Li JY et al. Germline mutations in 40 cancer susceptibility genes among Chinese patients with high hereditary risk breast cancer. Int J Cancer. 2019 Jan 15;144(2):281-289. PMID: 29752822. Stoppa-Lyonnet D et al. BRCA1 sequence variations in 160 individuals referred to a breast/ovarian family cancer clinic. Institut Curie Breast Cancer Group. Am J Hum Genet. 1997 May;60(5):1021-30. PMID: 9150149.

NM_007294.4(BRCA1):c.5030_5033del (p.Thr1677fs)

Gene: BRCA1 (BRCA1 DNA repair associated; minus strand). Cytogenetic location: 17q21.31.
Variant type: Deletion.
Coding change: c.5030_5033del on transcript NM_007294.4 (MANE Select); coding-DNA positions 5030 to 5033, 4 bases deleted (CTAA; older notation c.5030_5033delCTAA).
Protein change: p.Thr1677fs; shifts the reading frame from threonine 1677.
Molecular consequence: frameshift variant. On other transcripts: non-coding transcript variant (1).
Genome position (GRCh38, 1-based): chr17:43,067,649-43,067,652, TTAG deleted on the plus strand (CTAA on the coding strand, the reverse complement: BRCA1 is on the minus strand); deleting any 4 consecutive bases within chr17:43,067,649-43,067,655 gives the same sequence; the c. name uses the placement nearest the transcript's 3' end. VCF-style (leftmost placement, unchanged base first): chr17-43067648-ATTAG-A. GRCh37 (hg19) VCF-style: chr17-41219665-ATTAG-A.
Other names: 5147del4; 5146del4; 5149del4; c.5030_5033delCTAA (NM_007294.3); c.4880_4883delTAAC, p.Thr1628Ilefs (NM_001407850.1, NM_001407851.1, NM_001407852.1 and 12 more transcripts); c.5027_5030delTAAC, p.Thr1677Ilefs (NM_001407854.1, NM_001407593.1, NM_001407594.1 and 8 more transcripts); c.5024_5027delTAAC, p.Thr1676Ilefs (NM_001407858.1, NM_001407859.1, NM_001407860.1 and 17 more transcripts); c.5021_5024delTAAC, p.Thr1675Ilefs (NM_001407861.1, NM_001407627.1, NM_001407628.1 and 14 more transcripts); and 78 more; short protein forms T1677fs, T1630fs, T1698fs, T573fs.
Identifiers: ClinVar variation 37623 (VCV000037623.71), dbSNP rs80357580, ClinGen allele CA003158.